The following is an entry in ClinVar:

NM_015450.3(POT1):c.1227A>G (p.Pro409=)

Gene: POT1 (protection of telomeres 1; minus strand). Cytogenetic location: 7q31.33.
Variant type: single nucleotide variant.
Coding change: c.1227A>G on transcript NM_015450.3 (MANE Select); coding-DNA position 1227, A replaced by G.
Protein change: p.Pro409=; no amino-acid change (proline 409 retained).
Molecular consequence: synonymous variant. On other transcripts: non-coding transcript variant (3).
Genome position (GRCh38, 1-based): chr7:124,841,115, T>C on the plus strand (A>G on the coding strand, the complement: POT1 is on the minus strand). VCF-style: chr7-124841115-T-C. GRCh37 (hg19) VCF-style: chr7-124481169-T-C.
Other names: c.834A>G, p.Pro278= (NM_001042594.2).
Identifiers: ClinVar variation 995804 (VCV000995804.13), dbSNP rs552835784, ClinGen allele CA457482850.

ClinVar aggregate classification (germline): Likely benign. Review status: criteria provided, multiple submitters, no conflicts (2 of 4 stars). 3 submissions from 3 submitters: Likely benign (2). 1 of the submissions does not count toward it. Last evaluated 2026-01-16.

Conditions:
Tumor predisposition syndrome 3 (TPDS3). Also called: Glioma susceptibility 9; LONG TELOMERE SYNDROME, POT1-RELATED; POT1 Tumor Predisposition; Melanoma, cutaneous malignant, susceptibility to, 10. Identifiers: Orphanet 618, MedGen C4014476, MONDO:0014368, OMIM 615848.
Hereditary cancer-predisposing syndrome. Also called: Neoplastic Syndromes, Hereditary; Hereditary Cancer Syndrome; Hereditary neoplastic syndrome; Tumor predisposition. Identifiers: Orphanet 140162, MedGen C0027672, MeSH D009386, MONDO:0015356.

Allele frequency attached by ClinVar (database versions not stated): TOPMed 0.00001.
gnomAD v4.1: 1 of 1,612,876 alleles (0.000062%); highest among the groups gnomAD compares: Non-Finnish European, 0.000085%; no homozygotes.

Submissions (3):

Labcorp Genetics (formerly Invitae), Labcorp
Classification: Likely benign for Tumor predisposition syndrome 3. Last evaluated: 2026-01-16. Review status: criteria provided, single submitter. Criteria: Invitae Variant Classification Sherloc (09022015). Collection method: clinical testing. Allele origin: germline.

Ambry Genetics
Classification: Likely benign for Hereditary cancer-predisposing syndrome. Last evaluated: 2019-06-27. Review status: criteria provided, single submitter. Criteria: Ambry Variant Classification Scheme 2023. Collection method: clinical testing. Allele origin: germline.

GeneReviews
No classification provided. Condition: Tumor predisposition syndrome 3. Review status: no classification provided. Collection method: literature only. Allele origin: germline. Not counted in ClinVar's aggregate classification.
Comment: A 3.6-fold increase risk for Chronic Lymphocytic Lleukemia reported for individuals with this variant

Literature cited by the submitters: PubMed 27528712 (cited by GeneReviews); PubMed 33119245 (cited by GeneReviews).